The following is an entry in ClinVar:

NM_001128228.3(TPRN):c.274C>A (p.Leu92Ile)

Gene: TPRN (taperin; minus strand). Cytogenetic location: 9q34.3.
Variant type: single nucleotide variant.
Coding change: c.274C>A on transcript NM_001128228.3 (MANE Select); coding-DNA position 274, C replaced by A.
Protein change: p.Leu92Ile; replaces leucine 92 with isoleucine.
Molecular consequence: missense variant.
Genome position (GRCh38, 1-based): chr9:137,200,438, G>T on the plus strand (C>A on the coding strand, the complement: TPRN is on the minus strand). VCF-style: chr9-137200438-G-T. GRCh37 (hg19) VCF-style: chr9-140094890-G-T.
Other names: c.274C>A (NM_001128228.2); short protein forms L92I.
Identifiers: ClinVar variation 1441125 (VCV001441125.10), dbSNP rs957567268, ClinGen allele CA201721407.
Genomic context (GRCh38, chr9:137,200,438, plus strand): 5'-CGGGCGGCGCGGGCGGGAAGCCGGGCACCGTCTCGATGATGAGGACGCTGTCGGCGCGGA[G>T]GGCGCGCACGCCAGGCACGCGGCGGTACCGCTCCAGCAGCCGCGCCCCCGCCGCGCCCCC-3'
Protein context (NP_001121700.2, residues 82-102): RYRRVPGVRA[Leu92Ile]RADSVLIIET

ClinVar aggregate classification (germline): Conflicting classifications of pathogenicity. Review status: criteria provided, conflicting classifications (1 of 4 stars). 2 submissions from 2 submitters: Uncertain significance (1); Likely benign (1). Last evaluated 2025-08-09.

Conditions:
Inborn genetic diseases. Identifiers: MedGen C0950123, MeSH D030342.

Submissions (2):

Ambry Genetics
Classification: Likely benign for Inborn genetic diseases. Last evaluated: 2025-08-09. Review status: criteria provided, single submitter. Criteria: Ambry Variant Classification Scheme 2023. Collection method: clinical testing. Allele origin: germline.

Labcorp Genetics (formerly Invitae), Labcorp
Classification: Uncertain significance. Last evaluated: 2022-02-03. Review status: criteria provided, single submitter. Criteria: Invitae Variant Classification Sherloc (09022015). Collection method: clinical testing. Allele origin: germline.
Comment: Algorithms developed to predict the effect of missense changes on protein structure and function output the following: SIFT: "Tolerated"; PolyPhen-2: "Benign"; Align-GVGD: "Class C0". The isoleucine amino acid residue is found in multiple mammalian species, which suggests that this missense change does not adversely affect protein function. In summary, the available evidence is currently insufficient to determine the role of this variant in disease. Therefore, it has been classified as a Variant of Uncertain Significance. This variant has not been reported in the literature in individuals affected with TPRN-related conditions. The frequency data for this variant in the population databases is considered unreliable, as metrics indicate insufficient coverage at this position in the gnomAD database. This sequence change replaces leucine, which is neutral and non-polar, with isoleucine, which is neutral and non-polar, at codon 92 of the TPRN protein (p.Leu92Ile).